The following is an entry in ClinVar:

ClinVar aggregate classification (germline): Pathogenic. Review status: criteria provided, multiple submitters, no conflicts (2 of 4 stars). 13 submissions from 13 submitters: Pathogenic (12). 1 of the submissions does not count toward it. Last evaluated 2026-09-12.

Conditions:
autosomal dominant PALB2-related cancer predisposition.
PALB2-related disorder. Also called: PALB2-related condition; PALB2-related disorders.
Hereditary cancer-predisposing syndrome. Also called: Hereditary neoplastic syndrome; Tumor predisposition; Neoplastic Syndromes, Hereditary; Hereditary Cancer Syndrome. Identifiers: Orphanet 140162, MedGen C0027672, MeSH D009386, MONDO:0015356.
Hereditary breast ovarian cancer syndrome. Also called: Breast and ovarian cancer; Hereditary breast and/or ovarian cancer syndrome; BRCA1- and BRCA2-Associated Hereditary Breast and Ovarian Cancer; Hereditary breast and ovarian cancer; Hereditary breast and ovarian cancer syndrome; Hereditary breast and ovarian cancer syndrome (HBOC). Identifiers: Orphanet 145, MedGen C0677776, MeSH D061325, MONDO:0003582. Disease mechanism: loss of function.
Familial cancer of breast. Also called: hereditary breast carcinoma; Hereditary breast cancer; BREAST CANCER, FAMILIAL. Identifiers: Orphanet 227535, MedGen C0346153, MONDO:0016419, OMIM 114480. Disease mechanism: loss of function.

Allele frequency attached by ClinVar (database versions not stated): ExAC 0.00001; gnomAD exomes 0.00001.
gnomAD v4.1: 3 of 1,614,180 alleles (0.00019%); highest among the groups gnomAD compares: Admixed American, 0.005%; no homozygotes.

Submissions (13):

PreventionGenetics, part of Exact Sciences
Classification: Pathogenic for PALB2-related condition. Last evaluated: 2026-09-12. Review status: criteria provided, single submitter. Criteria: ACMG Guidelines, 2015. Collection method: clinical testing. Allele origin: germline.
Comment: The PALB2 c.2336C>G variant is predicted to result in premature protein termination (p.Ser779*). This variant has been reported in multiple individuals with breast cancer (see for example Table S2, Weitzel et al. 2019. PubMed ID: 31206626; Table S3, Girard et al. 2019. PubMed ID: 30303537; Table 3, Doddato et al. 2021. PubMed ID: 34026625). This variant is reported in 0.0087% of alleles in individuals of Latino descent in gnomAD and is listed in ClinVar with interpretations of pathogenic and likely pathogenic (ClinVar ID: 186458). Nonsense variants in PALB2 are expected to be pathogenic. This variant is interpreted as pathogenic.

CeGaT Center for Human Genetics Tuebingen
Classification: Pathogenic. Last evaluated: 2026-09-01. Review status: criteria provided, single submitter. Criteria: CeGaT Center For Human Genetics Tuebingen Variant Classification Criteria Version 2. Collection method: clinical testing. Allele origin: germline. Affected: yes. Observed: 1 variant allele.
Comment: PALB2: PVS1, PM2, PS4:Moderate

Labcorp Genetics (formerly Invitae), Labcorp
Classification: Pathogenic for Familial cancer of breast. Last evaluated: 2025-12-31. Review status: criteria provided, single submitter. Criteria: Invitae Variant Classification Sherloc (09022015). Collection method: clinical testing. Allele origin: germline.
Comment: This sequence change creates a premature translational stop signal (p.Ser779*) in the PALB2 gene. It is expected to result in an absent or disrupted protein product. Loss-of-function variants in PALB2 are known to be pathogenic (PMID: 17200668, 17200671, 17200672, 24136930, 25099575). This variant is present in population databases (rs764509489, gnomAD 0.006%). This premature translational stop signal has been observed in individual(s) with breast cancer (PMID: 30303537, 31206626). ClinVar contains an entry for this variant (Variation ID: 186458). For these reasons, this variant has been classified as Pathogenic.

Variantyx, Inc.
Classification: Pathogenic for autosomal dominant PALB2-related cancer predisposition. Last evaluated: 2025-10-11. Review status: criteria provided, single submitter. Criteria: Variantyx Assertion Criteria 2022. Collection method: clinical testing. Allele origin: germline. Inheritance: Autosomal dominant inheritance. Affected: yes.
Comment: This is a nonsense variant in the PALB2 gene (OMIM: 610355). Pathogenic variants in this gene have been associated with autosomal dominant PALB2-related cancer predisposition. This variant introduces a premature termination codon in exon 5 out of 13a nd is expected to result in loss of function, which is a known disease mechanism for PALB2 in this disorder (PMID: 17200668, 17200671, 17200672, 24136930, 25099575, 28158555) (PVS1). This variant results in a termination codon upstream of the most C-terminus pathogenic alteration (p.Tyr1183*) in this gene (PM5_Supporting). It has a 0.0069% maximum allele frequency in non-founder control populations (PM2, and has been reported in the heterozygous state in several unrelated affected individuals (PMID: 30303537, 31206626, 34326862). Based on the current evidence, this variant is classified as pathogenic for autosomal dominant PALB2-related cancer predisposition.

GeneDx
Classification: Pathogenic. Last evaluated: 2025-06-03. Review status: criteria provided, single submitter. Criteria: GeneDx Variant Classification Process June 2021. Collection method: clinical testing. Allele origin: germline. Affected: yes.
Comment: Nonsense variant predicted to result in protein truncation or nonsense mediated decay in a gene for which loss of function is a known mechanism of disease; Observed in individuals with PALB2-related cancers (PMID: 30303537, 31206626, 34026625); Truncating variants in this gene are considered pathogenic by a well-established clinical consortium and/or database; Not observed at significant frequency in large population cohorts (gnomAD); This variant is associated with the following publications: (PMID: 29922827, 31206626, 30303537, 34026625, 37460928, 34326862, 33047316, 35610400, 33811135, 33471991)

Ambry Genetics
Classification: Pathogenic for Hereditary cancer-predisposing syndrome. Last evaluated: 2025-02-25. Review status: criteria provided, single submitter. Criteria: Ambry Variant Classification Scheme 2023. Collection method: clinical testing. Allele origin: germline.
Comment: The p.S779* pathogenic mutation (also known as c.2336C>G), located in coding exon 5 of the PALB2 gene, results from a C to G substitution at nucleotide position 2336. This changes the amino acid from a serine to a stop codon within coding exon 5. This alteration has been detected in multiple breast cancer patients and families (Girard E et al. Int J Cancer, 2019 Apr;144:1962-1974; Weitzel JN et al. Cancer, 2019 Aug;125:2829-2836; Ng PS et al. J Med Genet, 2022 May;59:481-491; Doddato G et al. Front Oncol, 2021 May;11:649435). In addition to the clinical data presented in the literature, this alteration is expected to result in loss of function by premature protein truncation or nonsense-mediated mRNA decay. As such, this alteration is interpreted as a disease-causing mutation.

Baylor Genetics
Classification: Pathogenic for Familial cancer of breast. Last evaluated: 2024-03-15. Review status: criteria provided, single submitter. Criteria: ACMG Guidelines, 2015. Collection method: clinical testing. Allele origin: unknown.

Molecular Pathology, Peter Maccallum Cancer Centre
Classification: Pathogenic for Familial cancer of breast. Last evaluated: 2024-02-21. Review status: criteria provided, single submitter. Criteria: ACMG Guidelines, 2015. Collection method: clinical testing. Allele origin: germline. Inheritance: Autosomal dominant inheritance.

Color Diagnostics, LLC DBA Color Health
Classification: Pathogenic for Hereditary cancer-predisposing syndrome. Last evaluated: 2023-09-05. Review status: criteria provided, single submitter. Criteria: ACMG Guidelines, 2015. Collection method: clinical testing. Allele origin: germline.
Comment: This variant changes 1 nucleotide in exon 5 of the PALB2 gene, creating a premature translation stop signal. This variant is expected to result in an absent or non-functional protein product. This variant has been reported in five individuals affected with breast cancer (PMID: 30303537, 31206626, 33811135, 34026625) and also has been detected in a breast cancer case-control meta-analysis in 2/60466 cases and 1/53461 unaffected individuals (PMID: 33471991; Leiden Open Variation Database DB-ID PALB2_010910). This variant has been identified in 3/251436 chromosomes in the general population by the Genome Aggregation Database (gnomAD). Loss of PALB2 function is a known mechanism of disease. Based on the available evidence, this variant is classified as Pathogenic.

Quest Diagnostics Nichols Institute San Juan Capistrano
Classification: Pathogenic. Last evaluated: 2023-06-22. Review status: criteria provided, single submitter. Criteria: Quest Diagnostics criteria. Collection method: clinical testing. Allele origin: unknown.
Comment: The PALB2 c.2336C>G (p.Ser779*) variant causes the premature termination of PALB2 protein synthesis. In the published literature, this variant has been reported in multiple individuals with breast/ovarian cancer (PMIDs: 35610400 (2022), 34026625 (2021), 31206626 (2019), 30303537 (2019)). The frequency of this variant in the general population, 0.000087 (3/34578 chromosomes (Genome Aggregation Database)), is consistent with pathogenicity. Based on the available information, this variant is classified as pathogenic.

Myriad Genetics, Inc.
Classification: Pathogenic for Familial cancer of breast. Last evaluated: 2023-03-30. Review status: criteria provided, single submitter. Criteria: Myriad Autosomal Dominant, Autosomal Recessive and X-Linked Classification Criteria (2023). Collection method: clinical testing. Allele origin: unknown.
Comment: This variant is considered pathogenic. This variant creates a termination codon and is predicted to result in premature protein truncation.

Women's Health and Genetics/Laboratory Corporation of America, LabCorp
Classification: Pathogenic for Hereditary breast ovarian cancer syndrome. Last evaluated: 2023-03-29. Review status: criteria provided, single submitter. Criteria: LabCorp Variant Classification Summary - May 2015. Collection method: clinical testing. Allele origin: germline.
Comment: Variant summary: PALB2 c.2336C>G (p.Ser779X) results in a premature termination codon, predicted to cause a truncation of the encoded protein or absence of the protein due to nonsense mediated decay, which are commonly known mechanisms for disease. Truncations downstream of this position have been classified as pathogenic by our laboratory. The variant allele was found at a frequency of 1.2e-05 in 251436 control chromosomes (gnomAD). c.2336C>G has been reported in the literature in individuals affected with Hereditary Breast And Ovarian Cancer (examples: Weitzel_2019, Doddato_2021, and Gonzalez_2022). These data indicate that the variant is likely to be associated with disease. Six clinical diagnostic laboratories have submitted clinical-significance assessments for this variant to ClinVar after 2014 and all classified the variant as pathogenic (n=5)/likely pathogenic(n=1). Based on the evidence outlined above, the variant was classified as pathogenic.

Counsyl
Classification: Likely pathogenic for Familial cancer of breast. Last evaluated: 2017-07-24. Review status: no assertion criteria provided. Collection method: clinical testing. Allele origin: unknown. Not counted in ClinVar's aggregate classification.

Literature cited by the submitters: PubMed 17200668 (cited by Labcorp Genetics (formerly Invitae), Labcorp and Variantyx, Inc.); PubMed 17200671 (cited by Labcorp Genetics (formerly Invitae), Labcorp and Variantyx, Inc.); PubMed 17200672 (cited by Labcorp Genetics (formerly Invitae), Labcorp and Variantyx, Inc.); PubMed 24136930 (cited by Labcorp Genetics (formerly Invitae), Labcorp and Variantyx, Inc.); PubMed 25099575 (cited by Labcorp Genetics (formerly Invitae), Labcorp and Variantyx, Inc.); PubMed 30303537 (cited by 4 submitters); PubMed 31206626 (cited by 5 submitters); PubMed 28158555 (cited by Variantyx, Inc.); PubMed 33811135 (cited by Ambry Genetics and Color Diagnostics, LLC DBA Color Health); PubMed 34026625 (cited by 4 submitters); PubMed 33471991 (cited by Color Diagnostics, LLC DBA Color Health); PubMed 29922827 (cited by Quest Diagnostics Nichols Institute San Juan Capistrano and Women's Health and Genetics/Laboratory Corporation of America, LabCorp); PubMed 35610400 (cited by Quest Diagnostics Nichols Institute San Juan Capistrano and Women's Health and Genetics/Laboratory Corporation of America, LabCorp).

NM_024675.4(PALB2):c.2336C>G (p.Ser779Ter)

Gene: PALB2 (partner and localizer of BRCA2; minus strand). Cytogenetic location: 16p12.2.
Variant type: single nucleotide variant.
Coding change: c.2336C>G on transcript NM_024675.4 (MANE Select); coding-DNA position 2336, C replaced by G.
Protein change: p.Ser779Ter; replaces serine 779 with a stop codon.
Molecular consequence: nonsense.
Genome position (GRCh38, 1-based): chr16:23,629,818, G>C on the plus strand (C>G on the coding strand, the complement: PALB2 is on the minus strand). VCF-style: chr16-23629818-G-C. GRCh37 (hg19) VCF-style: chr16-23641139-G-C.
Other names: short protein forms S779*.
Identifiers: ClinVar variation 186458 (VCV000186458.39), dbSNP rs764509489, ClinGen allele CA194883.